The following is an entry in ClinVar:

NM_000540.3(RYR1):c.2787-7C>A

Gene: RYR1 (ryanodine receptor 1; plus strand). Cytogenetic location: 19q13.2.
Variant type: single nucleotide variant.
Coding change: c.2787-7C>A on transcript NM_000540.3 (MANE Select); 7 bases into the intron before coding-DNA position 2787, C replaced by A.
Molecular consequence: intron variant.
Genome position (GRCh38, 1-based): chr19:38,464,632, C>A. VCF-style: chr19-38464632-C-A. GRCh37 (hg19) VCF-style: chr19-38955272-C-A.
Other names: c.2787-7C>A (NM_001042723.2).
Identifiers: ClinVar variation 3071891 (VCV003071891.1), dbSNP rs1486816697, ClinGen allele CA2584895783.
Genomic context (GRCh38, chr19:38,464,632, plus strand): 5'-CGTGGGAGGAGACGGGGCAGGGAGCTCTGAGGGGCGTGACCTGTCGCCTCCACTCCCCCA[C>A]CCCCAGGACTCTGCTGGCTCTGGGCTGCCACGTGGGCATGGCGGATGAGAAGGCGGAGGA-3'

ClinVar aggregate classification (germline): Uncertain significance (1 of 4 stars; one submission).

Conditions:
Malignant hyperthermia, susceptibility to, 1 (MHS1). Also called: Anesthesia related hyperthermia; Malignant hyperpyrexia; Fulminating hyperpyrexia; Pharmacogenic myopathy; RYR1-Related Malignant Hyperthermia Susceptibility; Malignant hyperthermia suceptibility 1. Identifiers: Orphanet 423, MedGen C2930980, MONDO:0007783, OMIM 145600.

Submission:

All of Us Research Program, National Institutes of Health
Classification: Uncertain significance for Malignant hyperthermia, susceptibility to, 1. Last evaluated: 2023-06-26. Review status: criteria provided, single submitter. Criteria: ACMG Guidelines, 2015. Collection method: clinical testing. Allele origin: germline. Inheritance: Autosomal dominant inheritance. Observed: 1 variant allele, 1 heterozygote.
Comment: This variant causes a C to A nucleotide substitution at the -7 position of intron 22 of the RYR1 gene. To our knowledge, functional studies have not been reported for this variant. This variant has not been reported in individuals affected with RYR1-related disorders in the literature. This variant has not been identified in the general population by the Genome Aggregation Database (gnomAD). The available evidence is insufficient to determine the role of this variant in disease conclusively. Therefore, this variant is classified as a Variant of Uncertain Significance.

This study involves interpretation of variants in research participants for the purpose of population health screening. Participant phenotype was not available at the time of variant classification. Additional details can be found in publication PMID: 35346344, PMCID: PMC8962531